The following is an entry in ClinVar:

NM_005045.4(RELN):c.2966C>T (p.Thr989Ile)

Gene: RELN (reelin; minus strand). Cytogenetic location: 7q22.1.
Variant type: single nucleotide variant.
Coding change: c.2966C>T on transcript NM_005045.4 (MANE Select); coding-DNA position 2966, C replaced by T.
Protein change: p.Thr989Ile; replaces threonine 989 with isoleucine.
Molecular consequence: missense variant.
Genome position (GRCh38, 1-based): chr7:103,610,737, G>A on the plus strand (C>T on the coding strand, the complement: RELN is on the minus strand). VCF-style: chr7-103610737-G-A. GRCh37 (hg19) VCF-style: chr7-103251184-G-A.
Other names: c.2966C>T, p.Thr989Ile (NM_173054.3); short protein forms T989I.
Identifiers: ClinVar variation 2631815 (VCV002631815.1), dbSNP rs1187640911, ClinGen allele CA368765722.

ClinVar aggregate classification (germline): Uncertain significance (1 of 4 stars; one submission).

Conditions:
RELN-related disorder. Also called: RELN-related condition.

Allele frequency attached by ClinVar (database versions not stated): TOPMed below 0.00001.

Submission:

PreventionGenetics, part of Exact Sciences
Classification: Uncertain significance for RELN-related condition. Last evaluated: 2023-07-31. Review status: criteria provided, single submitter. Criteria: ACMG Guidelines, 2015. Collection method: clinical testing. Allele origin: germline.
Comment: The RELN c.2966C>T variant is predicted to result in the amino acid substitution p.Thr989Ile. To our knowledge, this variant has not been reported in the literature or in a large population database, indicating this variant is rare. At this time, the clinical significance of this variant is uncertain due to the absence of conclusive functional and genetic evidence.